The following is an entry in ClinVar:

ClinVar aggregate classification (germline): Conflicting classifications of pathogenicity. Review status: criteria provided, conflicting classifications (1 of 4 stars). 4 submissions from 4 submitters: Uncertain significance (3); Likely benign (1). Last evaluated 2024-11-28.

Conditions:
Retinitis pigmentosa (RP). Identifiers: Orphanet 791, MedGen C0035334, MeSH D012174, MONDO:0019200, OMIM 268000. Inheritance: Autosomal dominant, autosomal recessive and X linked inheritance.

Allele frequency attached by ClinVar (database versions not stated): TOPMed 0.00003; gnomAD exomes 0.00007 and 0.00004; ExAC 0.00007; gnomAD 0.00002; ESP Exome Variant Server 0.00008.

Submissions (4):

Blueprint Genetics
Classification: Likely benign. Last evaluated: 2024-11-28. Review status: criteria provided, single submitter. Criteria: ACMG Guidelines, 2015. Collection method: clinical testing. Allele origin: germline.

Labcorp Genetics (formerly Invitae), Labcorp
Classification: Uncertain significance. Last evaluated: 2023-09-17. Review status: criteria provided, single submitter. Criteria: Invitae Variant Classification Sherloc (09022015). Collection method: clinical testing. Allele origin: germline.
Comment: This variant is present in population databases (rs373578680, gnomAD 0.01%). This sequence change replaces threonine, which is neutral and polar, with isoleucine, which is neutral and non-polar, at codon 50 of the PRPF31 protein (p.Thr50Ile). This missense change has been observed in individual(s) with retinal dystrophy (Invitae). ClinVar contains an entry for this variant (Variation ID: 95734). An algorithm developed to predict the effect of missense changes on protein structure and function (PolyPhen-2) suggests that this variant is likely to be tolerated. Experimental studies are conflicting or provide insufficient evidence to determine the effect of this variant on PRPF31 function (PMID: 33095315). In summary, the available evidence is currently insufficient to determine the role of this variant in disease. Therefore, it has been classified as a Variant of Uncertain Significance.

Illumina Laboratory Services, Illumina
Classification: Uncertain significance for Retinitis pigmentosa. Last evaluated: 2018-01-13. Review status: criteria provided, single submitter. Criteria: ICSL Variant Classification Criteria 13 December 2019. Collection method: clinical testing. Allele origin: germline.

Eurofins Ntd Llc (ga)
Classification: Uncertain significance. Last evaluated: 2013-09-19. Review status: criteria provided, single submitter. Criteria: EGL Classification Definitions 2015. Collection method: clinical testing. Allele origin: germline. Observed: 1 variant allele, 1 heterozygote.

Literature cited by the submitters: PubMed 33095315 (cited by Labcorp Genetics (formerly Invitae), Labcorp).

NM_015629.4(PRPF31):c.149C>T (p.Thr50Ile)

Gene: PRPF31 (pre-mRNA processing factor 31; plus strand). Cytogenetic location: 19q13.42.
Variant type: single nucleotide variant.
Coding change: c.149C>T on transcript NM_015629.4 (MANE Select); coding-DNA position 149, C replaced by T.
Protein change: p.Thr50Ile; replaces threonine 50 with isoleucine.
Molecular consequence: missense variant.
Genome position (GRCh38, 1-based): chr19:54,118,427, C>T. VCF-style: chr19-54118427-C-T. GRCh37 (hg19) VCF-style: chr19-54621807-C-T.
Other names: short protein forms T50I.
Identifiers: ClinVar variation 95734 (VCV000095734.15), dbSNP rs373578680, ClinGen allele CA223228.